The following is an entry in ClinVar:

ClinVar aggregate classification (germline): Likely benign (1 of 4 stars; one submission).

Allele frequency attached by ClinVar (database versions not stated): gnomAD 0.00006; ExAC 0.00012; TOPMed 0.00012.
gnomAD v4.1: 132 of 1,610,812 alleles (0.0082%); highest among the groups gnomAD compares: Middle Eastern, 0.05%; no homozygotes.

Submission:

CeGaT Center for Human Genetics Tuebingen
Classification: Likely benign. Last evaluated: 2026-08-01. Review status: criteria provided, single submitter. Criteria: CeGaT Center For Human Genetics Tuebingen Variant Classification Criteria Version 2. Collection method: clinical testing. Allele origin: germline. Affected: yes. Observed: 2 variant alleles.
Comment: TMEM204: BP4, BP7

NM_024600.6(TMEM204):c.396G>A (p.Pro132=)

Genes: IFT140 (intraflagellar transport 140; minus strand), TMEM204 (transmembrane protein 204; plus strand). Cytogenetic location: 16p13.3.
Variant type: single nucleotide variant.
Coding change: c.396G>A on transcript NM_024600.6 (MANE Select); coding-DNA position 396, G replaced by A.
Protein change: p.Pro132=; no amino-acid change (proline 132 retained).
Molecular consequence: synonymous variant. On other transcripts: intron variant (1).
Genome position (GRCh38, 1-based): chr16:1,542,036, G>A. VCF-style: chr16-1542036-G-A. GRCh37 (hg19) VCF-style: chr16-1592037-G-A.
Other names: c.396G>A, p.Pro132= (NM_001256541.2); c.2400-15240C>T (NM_014714.4).
Identifiers: ClinVar variation 1335194 (VCV001335194.35), dbSNP rs776217442, ClinGen allele CA7813804.
Genomic context (GRCh38, chr16:1,542,036, plus strand): 5'-AGGCCAGCTCACCTTCCTCCTGGGGCTGGTGGGCCTGCCCCTGCTGTCACCCGACGCCCC[G>A]TGCTGGGAGGAGGCCATGGCCGCTGCATTCCAACTGGCGAGTAAGTACCTGGGCGGGTGT-3'
Protein context (NP_078876.2, residues 122-142): VGLPLLSPDA[Pro132=]CWEEAMAAAF